The following is an entry in ClinVar:

NM_001555.5(IGSF1):c.3905C>T (p.Thr1302Ile)

Gene: IGSF1 (immunoglobulin superfamily member 1; minus strand). Cytogenetic location: Xq26.1.
Variant type: single nucleotide variant.
Coding change: c.3905C>T on transcript NM_001555.5 (MANE Select); coding-DNA position 3905, C replaced by T.
Protein change: p.Thr1302Ile; replaces threonine 1302 with isoleucine.
Molecular consequence: missense variant.
Genome position (GRCh38, 1-based): chrX:131,273,902, G>A on the plus strand (C>T on the coding strand, the complement: IGSF1 is on the minus strand). VCF-style: chrX-131273902-G-A. GRCh37 (hg19) VCF-style: chrX-130407876-G-A.
Other names: c.3920C>T, p.Thr1307Ile (NM_001170961.2); c.3878C>T, p.Thr1293Ile (NM_001170962.2); short protein forms T1293I, T1302I, T1307I.
Identifiers: ClinVar variation 3360516 (VCV003360516.2).

ClinVar aggregate classification (germline): Uncertain significance. Review status: criteria provided, multiple submitters, no conflicts (2 of 4 stars). 2 submissions from 2 submitters: Uncertain significance (2). Last evaluated 2024-07-31.

Conditions:
Inborn genetic diseases. Identifiers: MedGen C0950123, MeSH D030342.

gnomAD v4.1: 6 of 1,208,685 alleles (0.0005%); highest among the groups gnomAD compares: Non-Finnish European, 0.00067%; no homozygotes.

Submissions (2):

Ambry Genetics
Classification: Uncertain significance for Inborn genetic diseases. Last evaluated: 2024-07-31. Review status: criteria provided, single submitter. Criteria: Ambry Variant Classification Scheme 2023. Collection method: clinical testing. Allele origin: germline.

GeneDx
Classification: Uncertain significance. Last evaluated: 2023-06-27. Review status: criteria provided, single submitter. Criteria: GeneDx Variant Classification Process June 2021. Collection method: clinical testing. Allele origin: germline. Affected: yes.
Comment: In silico analysis supports that this missense variant does not alter protein structure/function; Has not been previously published as pathogenic or benign to our knowledge